The following is an entry in ClinVar:

ClinVar aggregate classification (germline): Uncertain significance. Review status: criteria provided, multiple submitters, no conflicts (2 of 4 stars). 2 submissions from 2 submitters: Uncertain significance (2). Last evaluated 2023-09-20.

Conditions:
Charcot-Marie-Tooth disease type 4. Also called: Charcot-Marie-Tooth disease, type IV; Charcot-Marie-Tooth, Type 4. Identifiers: Orphanet 64749, MedGen C4082197, MONDO:0018995.
Charcot-Marie-Tooth disease type 4B2. Also called: Charcot-Marie-Tooth Neuropathy Type 4B2; CMT 4B2; CHARCOT-MARIE-TOOTH DISEASE, DEMYELINATING, TYPE 4B2; CHARCOT-MARIE-TOOTH DISEASE, WITH FOCALLY FOLDED MYELIN SHEATHS, AUTOSOMAL RECESSIVE, TYPE 4B2. Identifiers: Orphanet 99956, MedGen C1858278, MONDO:0011475, OMIM 604563.

Submissions (2):

Kariminejad - Najmabadi Pathology & Genetics Center
Classification: Uncertain significance for Charcot-Marie-Tooth disease type 4B2. Last evaluated: 2023-09-20. Review status: criteria provided, single submitter. Criteria: ACMG Guidelines, 2015. Collection method: clinical testing. Allele origin: germline. Inheritance: Autosomal recessive inheritance. Affected: yes.
Comment: PM2,PP3

Labcorp Genetics (formerly Invitae), Labcorp
Classification: Uncertain significance for Charcot-Marie-Tooth disease type 4. Last evaluated: 2020-08-14. Review status: criteria provided, single submitter. Criteria: Invitae Variant Classification Sherloc (09022015). Collection method: clinical testing. Allele origin: germline.
Comment: This sequence change falls in intron 27 of the SBF2 gene. It does not directly change the encoded amino acid sequence of the SBF2 protein, but it affects a nucleotide within the consensus splice site of the intron. This variant is not present in population databases (ExAC no frequency). This variant has not been reported in the literature in individuals with SBF2-related conditions. Nucleotide substitutions within the consensus splice site are a relatively common cause of aberrant splicing (PMID: 17576681, 9536098). Algorithms developed to predict the effect of sequence changes on RNA splicing suggest that this variant may disrupt the consensus splice site, but this prediction has not been confirmed by published transcriptional studies. In summary, the available evidence is currently insufficient to determine the role of this variant in disease. Therefore, it has been classified as a Variant of Uncertain Significance.

Literature cited by the submitters: PubMed 17576681 (cited by Labcorp Genetics (formerly Invitae), Labcorp); PubMed 9536098 (cited by Labcorp Genetics (formerly Invitae), Labcorp).

NM_030962.4(SBF2):c.3652+5G>A

Gene: SBF2 (SET binding factor 2; minus strand). Cytogenetic location: 11p15.4.
Variant type: single nucleotide variant.
Coding change: c.3652+5G>A on transcript NM_030962.4 (MANE Select); 5 bases into the intron after coding-DNA position 3652, G replaced by A.
Molecular consequence: intron variant.
Genome position (GRCh38, 1-based): chr11:9,832,219, C>T on the plus strand (G>A on the coding strand, the complement: SBF2 is on the minus strand). VCF-style: chr11-9832219-C-T. GRCh37 (hg19) VCF-style: chr11-9853766-C-T.
Other names: c.3523+5G>A (NM_001386342.1); c.3652+5G>A (NM_001386339.1).
Identifiers: ClinVar variation 998705 (VCV000998705.8), dbSNP rs199502044, ClinGen allele CA217634015.